The following is an entry in ClinVar:

ClinVar aggregate classification (germline): Uncertain significance (1 of 4 stars; one submission).

Conditions:
HNRNPUL2-related disorder. Also called: HNRNPUL2-related condition.

Submission:

PreventionGenetics, part of Exact Sciences
Classification: Uncertain significance for HNRNPUL2-related condition. Last evaluated: 2026-01-20. Review status: criteria provided, single submitter. Criteria: ACMG Guidelines, 2015. Collection method: clinical testing. Allele origin: germline.
Comment: The HNRNPUL2 c.1114G>A variant is predicted to result in the amino acid substitution p.Val372Ile. To our knowledge, this variant has not been reported in the literature or in a large population database (gnomAD), indicating this variant is rare. At this time, the clinical significance of this variant is uncertain due to the absence of conclusive functional and genetic evidence.

NM_001079559.3(HNRNPUL2):c.1114G>A (p.Val372Ile)

Genes: HNRNPUL2 (heterogeneous nuclear ribonucleoprotein U like 2; minus strand), HNRNPUL2-BSCL2 (HNRNPUL2-BSCL2 readthrough (NMD candidate); minus strand). Cytogenetic location: 11q12.3.
Variant type: single nucleotide variant.
Coding change: c.1114G>A on transcript NM_001079559.3 (MANE Select); coding-DNA position 1114, G replaced by A.
Protein change: p.Val372Ile; replaces valine 372 with isoleucine.
Molecular consequence: missense variant. On other transcripts: non-coding transcript variant (1).
Genome position (GRCh38, 1-based): chr11:62,722,362, C>T on the plus strand (G>A on the coding strand, the complement: HNRNPUL2 is on the minus strand). VCF-style: chr11-62722362-C-T. GRCh37 (hg19) VCF-style: chr11-62489834-C-T.
Other names: short protein forms V372I.
Identifiers: ClinVar variation 4982648 (VCV004982648.1).
Genomic context (GRCh38, chr11:62,722,362, plus strand): 5'-CCTTGCTGATCCAGAATGCCACACCTAGGTCTTCTCCATTCTTGGAGAAGGAAAGTTCTA[C>T]TTCTTCAGTCTCAAAATTCTACAATGACAAGGGACAAGAGCACTTATTGGCTGACGAGGC-3'
Protein context (NP_001073027.1, residues 362-382): GCFANFETEE[Val372Ile]ELSFSKNGED